The following is an entry in ClinVar:

ClinVar aggregate classification (germline): Likely pathogenic (1 of 4 stars; one submission).

Conditions:
Hereditary cancer-predisposing syndrome. Also called: Neoplastic Syndromes, Hereditary; Hereditary neoplastic syndrome; Tumor predisposition; Hereditary Cancer Syndrome. Identifiers: Orphanet 140162, MedGen C0027672, MeSH D009386, MONDO:0015356.

Submission:

Labcorp Genetics (formerly Invitae), Labcorp
Classification: Likely pathogenic for Hereditary cancer-predisposing syndrome. Last evaluated: 2022-09-07. Review status: criteria provided, single submitter. Criteria: Invitae Variant Classification Sherloc (09022015). Collection method: clinical testing. Allele origin: germline.
Comment: Algorithms developed to predict the effect of sequence changes on RNA splicing suggest that this variant may disrupt the consensus splice site. This variant has not been reported in the literature in individuals affected with RAD50-related conditions. This variant is not present in population databases (gnomAD no frequency). This sequence change affects an acceptor splice site in intron 16 of the RAD50 gene. It is expected to disrupt RNA splicing. Variants that disrupt the donor or acceptor splice site typically lead to a loss of protein function (PMID: 16199547), and loss-of-function variants in RAD50 are known to be pathogenic (PMID: 19409520). In summary, the currently available evidence indicates that the variant is pathogenic, but additional data are needed to prove that conclusively. Therefore, this variant has been classified as Likely Pathogenic.

Literature cited by the submitters: PubMed 16199547; PubMed 19409520.

NM_005732.4(RAD50):c.2719-1G>T

Gene: RAD50 (RAD50 double strand break repair protein; plus strand). Cytogenetic location: 5q31.1.
Variant type: single nucleotide variant.
Coding change: c.2719-1G>T on transcript NM_005732.4 (MANE Select); the canonical splice acceptor site of the intron before coding-DNA position 2719, G replaced by T.
Molecular consequence: splice acceptor variant.
Genome position (GRCh38, 1-based): chr5:132,608,614, G>T. VCF-style: chr5-132608614-G-T. GRCh37 (hg19) VCF-style: chr5-131944306-G-T.
Identifiers: ClinVar variation 1996083 (VCV001996083.4), dbSNP rs1162846901, ClinGen allele CA360958450.